The following is an entry in ClinVar:

NM_016203.4(PRKAG2):c.684+4A>T

Gene: PRKAG2 (protein kinase AMP-activated non-catalytic subunit gamma 2; minus strand). Cytogenetic location: 7q36.1.
Variant type: single nucleotide variant.
Coding change: c.684+4A>T on transcript NM_016203.4 (MANE Select); 4 bases into the intron after coding-DNA position 684, A replaced by T.
Molecular consequence: intron variant.
Genome position (GRCh38, 1-based): chr7:151,675,416, T>A on the plus strand (A>T on the coding strand, the complement: PRKAG2 is on the minus strand). VCF-style: chr7-151675416-T-A. GRCh37 (hg19) VCF-style: chr7-151372502-T-A.
Other names: c.467-79965A>T (NM_001407031.1); c.467-79962A>T (NM_001407030.1); c.684+4A>T (NM_001407023.1, NM_001407022.1, NM_001407021.1); c.366+4A>T (NM_001407032.1); c.552+4A>T (NM_001407026.1, NM_001040633.2, NM_001407027.1 and 1 more transcripts); c.361-43278A>T (NM_001407033.1); c.94+60484A>T (NM_001407037.1); c.13-43278A>T (NM_001407038.1); and 1 more.
Identifiers: ClinVar variation 3705886 (VCV003705886.3).

ClinVar aggregate classification (germline): Uncertain significance. Review status: criteria provided, multiple submitters, no conflicts (2 of 4 stars). 2 submissions from 2 submitters: Uncertain significance (2). Last evaluated 2025-06-09.

Conditions:
Lethal congenital glycogen storage disease of heart. Also called: GLYCOGEN STORAGE DISEASE OF HEART; PHOSPHORYLASE KINASE DEFICIENCY OF HEART. Identifiers: Orphanet 439854, MedGen C1849813, MONDO:0009867, OMIM 261740.
Cardiomyopathy (CMYO). Also called: Cardiomyopathies. Identifiers: Orphanet 167848, MedGen C0878544, MONDO:0004994, HP:0001638. Inheritance: Various modes of inheritance.

gnomAD v4.1: 13 of 1,613,532 alleles (0.00081%); highest among the groups gnomAD compares: Non-Finnish European, 0.0011%; no homozygotes.

Submissions (2):

Color Diagnostics, LLC DBA Color Health
Classification: Uncertain significance for Cardiomyopathy. Last evaluated: 2025-06-09. Review status: criteria provided, single submitter. Criteria: ACMG Guidelines, 2015. Collection method: clinical testing. Allele origin: germline.
Comment: This variant causes an A to T nucleotide substitution at the +4 position of intron 4 of the PRKAG2 gene. To our knowledge, functional studies have not been reported for this variant. This variant has not been reported in individuals affected with PRKAG2-related disorders in the literature. This variant has not been identified in the general population by the Genome Aggregation Database (gnomAD). The available evidence is insufficient to determine the role of this variant in disease conclusively. Therefore, this variant is classified as a Variant of Uncertain Significance.

Labcorp Genetics (formerly Invitae), Labcorp
Classification: Uncertain significance for Lethal congenital glycogen storage disease of heart. Last evaluated: 2024-08-28. Review status: criteria provided, single submitter. Criteria: Invitae Variant Classification Sherloc (09022015). Collection method: clinical testing. Allele origin: germline.
Comment: This sequence change falls in intron 4 of the PRKAG2 gene. It does not directly change the encoded amino acid sequence of the PRKAG2 protein. It affects a nucleotide within the consensus splice site. This variant is not present in population databases (gnomAD no frequency). This variant has not been reported in the literature in individuals affected with PRKAG2-related conditions. Variants that disrupt the consensus splice site are a relatively common cause of aberrant splicing (PMID: 17576681, 9536098). Algorithms developed to predict the effect of sequence changes on RNA splicing suggest that this variant may disrupt the consensus splice site. In summary, the available evidence is currently insufficient to determine the role of this variant in disease. Therefore, it has been classified as a Variant of Uncertain Significance.

Literature cited by the submitters: PubMed 17576681 (cited by Labcorp Genetics (formerly Invitae), Labcorp); PubMed 9536098 (cited by Labcorp Genetics (formerly Invitae), Labcorp).